The following is an entry in ClinVar:

NM_030665.4(RAI1):c.2405A>G (p.Lys802Arg)

Gene: RAI1 (retinoic acid induced 1; plus strand). Cytogenetic location: 17p11.2.
Variant type: single nucleotide variant.
Coding change: c.2405A>G on transcript NM_030665.4 (MANE Select); coding-DNA position 2405, A replaced by G.
Protein change: p.Lys802Arg; replaces lysine 802 with arginine.
Molecular consequence: missense variant.
Genome position (GRCh38, 1-based): chr17:17,795,353, A>G. VCF-style: chr17-17795353-A-G. GRCh37 (hg19) VCF-style: chr17-17698667-A-G.
Other names: c.2405A>G (NM_030665.3); short protein forms K802R.
Identifiers: ClinVar variation 1506241 (VCV001506241.9), dbSNP rs896295956, ClinGen allele CA288368334.

ClinVar aggregate classification (germline): Uncertain significance. Review status: criteria provided, multiple submitters, no conflicts (2 of 4 stars). 2 submissions from 2 submitters: Uncertain significance (2). Last evaluated 2026-06-16.

Conditions:
RAI1-related disorder. Also called: RAI1-related condition.

Allele frequency attached by ClinVar (database versions not stated): gnomAD exomes below 0.00001; gnomAD 0.00003; TOPMed 0.00003.
gnomAD v4.1: 5 of 1,598,730 alleles (0.00031%); highest among the groups gnomAD compares: African/African-American, 0.0067%; no homozygotes.

Submissions (2):

PreventionGenetics, part of Exact Sciences
Classification: Uncertain significance for RAI1-related condition. Last evaluated: 2026-06-16. Review status: criteria provided, single submitter. Criteria: ACMG Guidelines, 2015. Collection method: clinical testing. Allele origin: germline.
Comment: The RAI1 c.2405A>G variant is predicted to result in the amino acid substitution p.Lys802Arg. To our knowledge, this variant has not been reported in the literature. This variant is reported in 0.012% of alleles in individuals of African descent in gnomAD. At this time, the clinical significance of this variant is uncertain due to the absence of conclusive functional and genetic evidence.

Labcorp Genetics (formerly Invitae), Labcorp
Classification: Uncertain significance. Last evaluated: 2025-03-20. Review status: criteria provided, single submitter. Criteria: Invitae Variant Classification Sherloc (09022015). Collection method: clinical testing. Allele origin: germline.
Comment: This sequence change replaces lysine, which is basic and polar, with arginine, which is basic and polar, at codon 802 of the RAI1 protein (p.Lys802Arg). This variant is present in population databases (no rsID available, gnomAD 0.01%). This variant has not been reported in the literature in individuals affected with RAI1-related conditions. ClinVar contains an entry for this variant (Variation ID: 1506241). Invitae Evidence Modeling of protein sequence and biophysical properties (such as structural, functional, and spatial information, amino acid conservation, physicochemical variation, residue mobility, and thermodynamic stability) indicates that this missense variant is not expected to disrupt RAI1 protein function with a negative predictive value of 80%. In summary, the available evidence is currently insufficient to determine the role of this variant in disease. Therefore, it has been classified as a Variant of Uncertain Significance.